The following is an entry in ClinVar:

NM_001142800.2(EYS):c.1193C>G (p.Ser398Ter)

Gene: EYS (EGF-like photoreceptor maintenance factor; minus strand). Cytogenetic location: 6q12.
Variant type: single nucleotide variant.
Coding change: c.1193C>G on transcript NM_001142800.2 (MANE Select); coding-DNA position 1193, C replaced by G.
Protein change: p.Ser398Ter; replaces serine 398 with a stop codon.
Molecular consequence: nonsense.
Genome position (GRCh38, 1-based): chr6:65,384,492, G>C on the plus strand (C>G on the coding strand, the complement: EYS is on the minus strand). VCF-style: chr6-65384492-G-C. GRCh37 (hg19) VCF-style: chr6-66094385-G-C.
Other names: c.1193C>G, p.Ser398Ter (NM_001142801.2, NM_001292009.2, NM_198283.2); short protein forms S398*.
Identifiers: ClinVar variation 1297156 (VCV001297156.6), dbSNP rs866804139, ClinGen allele CA364662210.
Genomic context (GRCh38, chr6:65,384,492, plus strand): 5'-TTGATGCTGAGCAGTTTACAGTGGTCAATTGCTTTCTCACAGTTTTTTTCAGTAAATCCT[G>C]ATATACAGCTGTAAATACATCAGTGTAAATTAGAAAAATTATAATTTAAATGTTTTCAGA-3'

ClinVar aggregate classification (germline): Pathogenic/Likely pathogenic. Review status: criteria provided, multiple submitters, no conflicts (2 of 4 stars). 2 submissions from 2 submitters: Pathogenic (1); Likely pathogenic (1). Last evaluated 2022-07-25.

Conditions:
Retinitis pigmentosa (RP). Identifiers: Orphanet 791, MedGen C0035334, MeSH D012174, MONDO:0019200, OMIM 268000. Inheritance: Autosomal dominant, autosomal recessive and X linked inheritance.

Submissions (2):

Labcorp Genetics (formerly Invitae), Labcorp
Classification: Pathogenic. Last evaluated: 2022-07-25. Review status: criteria provided, single submitter. Criteria: Invitae Variant Classification Sherloc (09022015). Collection method: clinical testing. Allele origin: germline.
Comment: This sequence change creates a premature translational stop signal (p.Ser398*) in the EYS gene. It is expected to result in an absent or disrupted protein product. Loss-of-function variants in EYS are known to be pathogenic (PMID: 18836446, 20333770). For these reasons, this variant has been classified as Pathogenic. ClinVar contains an entry for this variant (Variation ID: 1297156). This variant has not been reported in the literature in individuals affected with EYS-related conditions. This variant is not present in population databases (gnomAD no frequency).

Broad Center for Mendelian Genomics, Broad Institute of MIT and Harvard
Classification: Likely pathogenic for Retinitis pigmentosa. Last evaluated: 2021-04-01. Review status: criteria provided, single submitter. Criteria: ACMG Guidelines, 2015. Collection method: curation. Allele origin: germline. Inheritance: Autosomal recessive inheritance. Affected: yes.
Comment: Through a review of available evidence we were able to apply the following criteria: PVS1, PM2. Based on this evidence we have classified this variant as Likely Pathogenic. If you have any questions about the classification please reach out to the Pierce Lab.

Literature cited by the submitters: PubMed 18836446 (cited by Labcorp Genetics (formerly Invitae), Labcorp); PubMed 20333770 (cited by Labcorp Genetics (formerly Invitae), Labcorp); PubMed 34906470 (cited by Broad Center for Mendelian Genomics, Broad Institute of MIT and Harvard).